The following is an entry in ClinVar:

NM_001369.3(DNAH5):c.7858del (p.Ser2620fs)

Gene: DNAH5 (dynein axonemal heavy chain 5; minus strand). Cytogenetic location: 5p15.2.
Variant type: Deletion.
Coding change: c.7858del on transcript NM_001369.3 (MANE Select); coding-DNA position 7858, one base deleted (T; older notation c.7858delT).
Protein change: p.Ser2620fs; shifts the reading frame from serine 2620.
Molecular consequence: frameshift variant.
Genome position (GRCh38, 1-based): chr5:13,807,620, A deleted on the plus strand (T on the coding strand, the reverse complement: DNAH5 is on the minus strand); the first of 5 consecutive A bases (chr5:13,807,620-13,807,624); deleting any one gives the same sequence. VCF-style (leftmost placement, unchanged base first): chr5-13807619-GA-G. GRCh37 (hg19) VCF-style: chr5-13807728-GA-G.
Other names: short protein forms S2620fs.
Identifiers: ClinVar variation 1367647 (VCV001367647.6), dbSNP rs2126996545, ClinGen allele CA2573138468.
Genomic context (GRCh38, chr5:13,807,619, plus strand): 5'-GGGCTTACTGAGCCATACCAAAGAGCCAGTACCTGGAACATCAGTGGGGTGGTTGCAGAA[GA>G]AAAATTCAGACTCTTGATCATGTGACATTCAGGATCATATTTTGACATAAATCCTTTAAT-3'

ClinVar aggregate classification (germline): Pathogenic (1 of 4 stars; one submission).

Conditions:
Primary ciliary dyskinesia. Also called: Ciliary dyskinesia. Identifiers: Orphanet 244, MedGen C0008780, MONDO:0016575, HP:0012265.

Submission:

Labcorp Genetics (formerly Invitae), Labcorp
Classification: Pathogenic for Primary ciliary dyskinesia. Last evaluated: 2021-08-25. Review status: criteria provided, single submitter. Criteria: Invitae Variant Classification Sherloc (09022015). Collection method: clinical testing. Allele origin: germline.
Comment: For these reasons, this variant has been classified as Pathogenic. This variant has not been reported in the literature in individuals affected with DNAH5-related conditions. This variant is not present in population databases (ExAC no frequency). This sequence change creates a premature translational stop signal (p.Ser2620Leufs*7) in the DNAH5 gene. It is expected to result in an absent or disrupted protein product. Loss-of-function variants in DNAH5 are known to be pathogenic (PMID: 11788826, 16627867).

Literature cited by the submitters: PubMed 11788826; PubMed 16627867.